The following is an entry in ClinVar:

NM_001164508.2(NEB):c.18579+1G>A

Gene: NEB (nebulin; minus strand). Cytogenetic location: 2q23.3.
Variant type: single nucleotide variant.
Coding change: c.18579+1G>A on transcript NM_001164508.2 (MANE Select); the canonical splice donor site of the intron after coding-DNA position 18579, G replaced by A.
Molecular consequence: splice donor variant.
Genome position (GRCh38, 1-based): chr2:151,563,822, C>T on the plus strand (G>A on the coding strand, the complement: NEB is on the minus strand). VCF-style: chr2-151563822-C-T. GRCh37 (hg19) VCF-style: chr2-152420336-C-T.
Other names: NM_001164508.2:c.18579+1G>A; c.13476+1G>A (NM_004543.5); c.18579+1G>A (NM_001164507.2, NM_001271208.2).
Identifiers: ClinVar variation 3776972 (VCV003776972.1).

ClinVar aggregate classification (germline): Pathogenic (1 of 4 stars; one submission).

Conditions:
Nemaline myopathy. Also called: Myopathies, Nemaline. Identifiers: Orphanet 607, MedGen C0206157, MONDO:0018958.

gnomAD v4.1: 1 of 1,613,294 alleles (0.000062%); highest among the groups gnomAD compares: Non-Finnish European, 0.000085%; no homozygotes.

Submission:

Broad Center for Mendelian Genomics, Broad Institute of MIT and Harvard
Classification: Pathogenic for Nemaline myopathy. Last evaluated: 2025-03-10. Review status: criteria provided, single submitter. Criteria: ACMG Guidelines, 2015. Collection method: curation. Allele origin: germline. Inheritance: Autosomal recessive inheritance.
Comment: The c.18579+1G>A variant in NEB has been reported, in the compound heterozygous state, in one individual with nemaline myopathy (PMID: 25205138), and has been identified in 0.00009% (1/1179442) of European (non-Finnish) chromosomes by the Genome Aggregation Database (gnomAD). Although this variant has been seen in the general population in a heterozygous state, its frequency is low enough to be consistent with a recessive carrier frequency. This variant is located in the 5' splice region. SpliceAI predictions indicate use of an out-of-frame cryptic splice site 2 bases from the intron-exon boundary, providing evidence that this variant may cause a frameshift and lead to a premature termination codon downstream. This alteration is then predicted to lead to a truncated or absent protein. However, this information is not predictive enough to determine pathogenicity. Loss of function of the NEB gene is an established disease mechanism in autosomal recessive nemaline myopathy. In summary, this variant meets criteria to be classified as pathogenic for autosomal recessive nemaline myopathy. ACMG/AMP Criteria applied: PVS1, PM2_supporting, PM3_supporting (Richards 2015).